The following is an entry in ClinVar:

ClinVar aggregate classification (germline): Uncertain significance (1 of 4 stars; one submission).

Conditions:
Primary ciliary dyskinesia. Also called: Ciliary dyskinesia. Identifiers: Orphanet 244, MedGen C0008780, MONDO:0016575, HP:0012265.

Allele frequency attached by ClinVar (database versions not stated): gnomAD exomes below 0.00001; TOPMed below 0.00001.
gnomAD v4.1: 2 of 1,612,350 alleles (0.00012%); highest among the groups gnomAD compares: Non-Finnish European, 0.00017%; no homozygotes.

Submission:

Labcorp Genetics (formerly Invitae), Labcorp
Classification: Uncertain significance for Primary ciliary dyskinesia. Last evaluated: 2018-03-24. Review status: criteria provided, single submitter. Criteria: Invitae Variant Classification Sherloc (09022015). Collection method: clinical testing. Allele origin: germline.
Comment: This sequence change falls in intron 50 of the DNAH11 gene. It does not directly change the encoded amino acid sequence of the DNAH11 protein, but it affects a nucleotide within the consensus splice site of the intron. This variant is not present in population databases (ExAC no frequency). This variant has not been reported in the literature in individuals with DNAH11-related disease. Nucleotide substitutions within the consensus splice site are a relatively common cause of aberrant splicing (PMID: 17576681, 9536098). Algorithms developed to predict the effect of sequence changes on RNA splicing suggest that this variant may disrupt the consensus splice site, but this prediction has not been confirmed by published transcriptional studies. In summary, the available evidence is currently insufficient to determine the role of this variant in disease. Therefore, it has been classified as a Variant of Uncertain Significance.

Literature cited by the submitters: PubMed 17576681; PubMed 9536098.

NM_001277115.2(DNAH11):c.8316+5G>A

Gene: DNAH11 (dynein axonemal heavy chain 11; plus strand). Cytogenetic location: 7p15.3.
Variant type: single nucleotide variant.
Coding change: c.8316+5G>A on transcript NM_001277115.2 (MANE Select); 5 bases into the intron after coding-DNA position 8316, G replaced by A.
Molecular consequence: intron variant.
Genome position (GRCh38, 1-based): chr7:21,744,604, G>A. VCF-style: chr7-21744604-G-A. GRCh37 (hg19) VCF-style: chr7-21784222-G-A.
Identifiers: ClinVar variation 567987 (VCV000567987.4), dbSNP rs1048811611, ClinGen allele CA155118024.
Genomic context (GRCh38, chr7:21,744,604, plus strand): 5'-AAGATTGTGATTTGTTTCAGAGAAGAATGCTGGAAACTGCTTATAAATATTTTGAAGTAA[G>A]CGTATGAATGTCAGAGGTCACTACTTACTCCAACACCAACTGGGTATTGGGACTAAAGTT-3'